The following is an entry in ClinVar:

NM_001042492.3(NF1):c.3151G>T (p.Gly1051Ter)

Gene: NF1 (neurofibromin 1; plus strand). Cytogenetic location: 17q11.2.
Variant type: single nucleotide variant.
Coding change: c.3151G>T on transcript NM_001042492.3 (MANE Select); coding-DNA position 3151, G replaced by T.
Protein change: p.Gly1051Ter; replaces glycine 1051 with a stop codon.
Molecular consequence: nonsense.
Genome position (GRCh38, 1-based): chr17:31,230,879, G>T. VCF-style: chr17-31230879-G-T. GRCh37 (hg19) VCF-style: chr17-29557897-G-T.
Other names: c.3151G>T, p.Gly1051Ter (NM_000267.4); short protein forms G1051*.
Identifiers: ClinVar variation 996475 (VCV000996475.7), dbSNP rs2067101855, ClinGen allele CA398988034.

ClinVar aggregate classification (germline): Pathogenic. Review status: criteria provided, multiple submitters, no conflicts (2 of 4 stars). 2 submissions from 2 submitters: Pathogenic (2). Last evaluated 2022-08-06.

Conditions:
Neurofibromatosis, type 1 (NF1). Also called: Neurofibromatosis, type I; VON RECKLINGHAUSEN DISEASE; NEUROFIBROMATOSIS, TYPE I, SOMATIC; Peripheral type neurofibromatosis. Identifiers: Orphanet 636, MedGen C0027831, MONDO:0018975, OMIM 162200. Disease mechanism: loss of function.

Submissions (2):

Labcorp Genetics (formerly Invitae), Labcorp
Classification: Pathogenic for Neurofibromatosis, type 1. Last evaluated: 2022-08-06. Review status: criteria provided, single submitter. Criteria: Invitae Variant Classification Sherloc (09022015). Collection method: clinical testing. Allele origin: germline.
Comment: This sequence change creates a premature translational stop signal (p.Gly1051*) in the NF1 gene. It is expected to result in an absent or disrupted protein product. Loss-of-function variants in NF1 are known to be pathogenic (PMID: 10712197, 23913538). For these reasons, this variant has been classified as Pathogenic. ClinVar contains an entry for this variant (Variation ID: 996475). This variant has not been reported in the literature in individuals affected with NF1-related conditions. This variant is not present in population databases (gnomAD no frequency).

Genome Diagnostics Laboratory, The Hospital for Sick Children
Classification: Pathogenic for Neurofibromatosis, type 1. Last evaluated: 2020-10-26. Review status: criteria provided, single submitter. Criteria: ACMG Guidelines, 2015. Collection method: clinical testing. Allele origin: germline. Affected: yes.

Literature cited by the submitters: PubMed 10712197 (cited by Labcorp Genetics (formerly Invitae), Labcorp); PubMed 23913538 (cited by Labcorp Genetics (formerly Invitae), Labcorp).